The following is an entry in ClinVar:

ClinVar aggregate classification (germline): Uncertain significance (1 of 4 stars; one submission).

Submission:

GeneDx
Classification: Uncertain significance. Last evaluated: 2025-02-04. Review status: criteria provided, single submitter. Criteria: GeneDx Variant Classification Process June 2021. Collection method: clinical testing. Allele origin: germline. Affected: yes.
Comment: Not observed at significant frequency in large population cohorts (gnomAD); In silico analysis supports that this missense variant has a deleterious effect on protein structure/function; Has not been previously published as pathogenic or benign to our knowledge

NM_005120.3(MED12):c.5312A>C (p.Lys1771Thr)

Gene: MED12 (mediator complex subunit 12; plus strand). Cytogenetic location: Xq13.1.
Variant type: single nucleotide variant.
Coding change: c.5312A>C on transcript NM_005120.3 (MANE Select); coding-DNA position 5312, A replaced by C.
Protein change: p.Lys1771Thr; replaces lysine 1771 with threonine.
Molecular consequence: missense variant.
Genome position (GRCh38, 1-based): chrX:71,136,567, A>C. VCF-style: chrX-71136567-A-C. GRCh37 (hg19) VCF-style: chrX-70356417-A-C.
Other names: short protein forms K1771T.
Identifiers: ClinVar variation 4074468 (VCV004074468.1).